The following is an entry in ClinVar:

NR_001566.3(TERC):n.204C>G

Genes: TERC (telomerase RNA component; minus strand), LOC110806306 (telomerase RNA component (TERC) promoter; plus strand). Cytogenetic location: 3q26.2.
Variant type: single nucleotide variant.
Genome position: GRCh38 VCF-style: chr3-169764857-G-C. GRCh37 (hg19) VCF-style: chr3-169482645-G-C.
Other names: 204C-G; NR_001566.1:r.204c>g (C204G).
Identifiers: ClinVar variation 7322 (VCV000007322.5), dbSNP rs199422277, ClinGen allele CA118712.
Genomic context (GRCh38, chr3:169,764,857, plus strand): 5'-CCGACCGCGGCCTCCAGGCGGGGTTCGGGGGCTGGGCAGGCGACCCGCCGCAGGTCCCCG[G>C]GAGGGGCGAACGGGCCAGCAGCTGACATTTTTTGTTTGCTCTAGAATGAACGGTGGAAGG-3'

ClinVar aggregate classification (germline): Pathogenic. Review status: no assertion criteria provided (0 of 4 stars). 2 submissions from 2 submitters: Pathogenic (2). Last evaluated 2012-05-10.

Conditions:
Dyskeratosis congenita, autosomal dominant 1 (DKCA1). Also called: Dyskeratosis congenita Scoggins type. Identifiers: Orphanet 1775, MedGen C4551974, MONDO:0007485, OMIM 127550. Inheritance: Variable.
Pulmonary fibrosis and/or bone marrow failure, Telomere-related, 2. Also called: PULMONARY FIBROSIS AND/OR BONE MARROW FAILURE SYNDROME, TELOMERE-RELATED, 2. Identifiers: Orphanet 88, MedGen C3553622, MONDO:0013879, OMIM 614743.

Submissions (2):

GeneReviews
Classification: Pathogenic for Dyskeratosis Congenita. Last evaluated: 2012-05-10. Review status: no assertion criteria provided. Collection method: curation. Allele origin: unknown.
ClinVar note: Converted during submission from pathologic to Pathogenic.

OMIM
Classification: Pathogenic for PULMONARY FIBROSIS AND/OR BONE MARROW FAILURE SYNDROME, TELOMERE-RELATED, 2. Last evaluated: 2011-05-26. Review status: no assertion criteria provided. Collection method: literature only. Allele origin: germline.

Literature cited by the submitters: PubMed 14630445 (cited by OMIM); PubMed 21436073 (cited by OMIM).